The following is an entry in ClinVar:

NM_006904.7(PRKDC):c.2498A>G (p.His833Arg)

Gene: PRKDC (protein kinase, DNA-activated, catalytic subunit; minus strand). Cytogenetic location: 8q11.21.
Variant type: single nucleotide variant.
Coding change: c.2498A>G on transcript NM_006904.7 (MANE Select); coding-DNA position 2498, A replaced by G.
Protein change: p.His833Arg; replaces histidine 833 with arginine.
Molecular consequence: missense variant.
Genome position (GRCh38, 1-based): chr8:47,918,305, T>C on the plus strand (A>G on the coding strand, the complement: PRKDC is on the minus strand). VCF-style: chr8-47918305-T-C. GRCh37 (hg19) VCF-style: chr8-48830865-T-C.
Other names: c.2498A>G, p.His833Arg (NM_001081640.2); short protein forms H833R.
Identifiers: ClinVar variation 2626326 (VCV002626326.4), dbSNP rs1299676486, ClinGen allele CA371160350.

ClinVar aggregate classification (germline): Uncertain significance. Review status: criteria provided, multiple submitters, no conflicts (2 of 4 stars). 2 submissions from 2 submitters: Uncertain significance (2). Last evaluated 2024-09-10.

Conditions:
Severe combined immunodeficiency due to DNA-PKcs deficiency. Also called: IMMUNODEFICIENCY 26 WITH NEUROLOGIC ABNORMALITIES; Immunodeficiency 26 with or without neurologic abnormalities. Identifiers: Orphanet 317425, MedGen C4014833, MONDO:0014423, OMIM 615966.

Submissions (2):

Labcorp Genetics (formerly Invitae), Labcorp
Classification: Uncertain significance for Severe combined immunodeficiency due to DNA-PKcs deficiency. Last evaluated: 2024-09-10. Review status: criteria provided, single submitter. Criteria: Invitae Variant Classification Sherloc (09022015). Collection method: clinical testing. Allele origin: germline.
Comment: This sequence change replaces histidine, which is basic and polar, with arginine, which is basic and polar, at codon 833 of the PRKDC protein (p.His833Arg). This variant is not present in population databases (gnomAD no frequency). This variant has not been reported in the literature in individuals affected with PRKDC-related conditions. ClinVar contains an entry for this variant (Variation ID: 2626326). Invitae Evidence Modeling of protein sequence and biophysical properties (such as structural, functional, and spatial information, amino acid conservation, physicochemical variation, residue mobility, and thermodynamic stability) indicates that this missense variant is not expected to disrupt PRKDC protein function with a negative predictive value of 80%. In summary, the available evidence is currently insufficient to determine the role of this variant in disease. Therefore, it has been classified as a Variant of Uncertain Significance.

Ambry Genetics
Classification: Uncertain significance. Last evaluated: 2023-06-25. Review status: criteria provided, single submitter. Criteria: Ambry Variant Classification Scheme 2023. Collection method: clinical testing. Allele origin: germline.
Comment: The p.H833R variant (also known as c.2498A>G), located in coding exon 22 of the PRKDC gene, results from an A to G substitution at nucleotide position 2498. The histidine at codon 833 is replaced by arginine, an amino acid with highly similar properties. This amino acid position is conserved. In addition, this alteration is predicted to be tolerated by in silico analysis. Since supporting evidence is limited at this time, the clinical significance of this alteration remains unclear.